The following is an entry in ClinVar:

ClinVar aggregate classification (germline): Uncertain significance (1 of 4 stars; one submission).

Conditions:
Hereditary cancer-predisposing syndrome. Also called: Hereditary Cancer Syndrome; Hereditary neoplastic syndrome; Neoplastic Syndromes, Hereditary; Tumor predisposition. Identifiers: Orphanet 140162, MedGen C0027672, MeSH D009386, MONDO:0015356.

Submission:

Ambry Genetics
Classification: Uncertain significance for Hereditary cancer-predisposing syndrome. Last evaluated: 2022-07-10. Review status: criteria provided, single submitter. Criteria: Ambry Variant Classification Scheme 2023. Collection method: clinical testing. Allele origin: germline.
Comment: The p.P1422L variant (also known as c.4265C>T), located in coding exon 29 of the ALK gene, results from a C to T substitution at nucleotide position 4265. The proline at codon 1422 is replaced by leucine, an amino acid with similar properties. This amino acid position is conserved. In addition, this alteration is predicted to be tolerated by in silico analysis. Since supporting evidence is limited at this time, the clinical significance of this alteration remains unclear.

NM_004304.5(ALK):c.4265C>T (p.Pro1422Leu)

Gene: ALK (ALK receptor tyrosine kinase; minus strand). Cytogenetic location: 2p23.2.
Variant type: single nucleotide variant.
Coding change: c.4265C>T on transcript NM_004304.5 (MANE Select); coding-DNA position 4265, C replaced by T.
Protein change: p.Pro1422Leu; replaces proline 1422 with leucine.
Molecular consequence: missense variant.
Genome position (GRCh38, 1-based): chr2:29,193,822, G>A on the plus strand (C>T on the coding strand, the complement: ALK is on the minus strand). VCF-style: chr2-29193822-G-A. GRCh37 (hg19) VCF-style: chr2-29416688-G-A.
Other names: c.1061C>T, p.Pro354Leu (NM_001353765.2); short protein forms P354L, P1422L.
Identifiers: ClinVar variation 1739199 (VCV001739199.2), dbSNP rs2465875069, ClinGen allele CA346462942.